The following is an entry in ClinVar:

ClinVar aggregate classification (germline): Likely pathogenic (1 of 4 stars; one submission).

Conditions:
Congenital lactic acidosis, Saguenay-Lac-Saint-Jean type (MC4DN5). Also called: CYTOCHROME c OXIDASE DEFICIENCY, FRENCH CANADIAN TYPE; COX DEFICIENCY, FRENCH CANADIAN TYPE; MITOCHONDRIAL COMPLEX IV DEFICIENCY, NUCLEAR TYPE 5. Identifiers: Orphanet 70472, MedGen C1857355, MONDO:0009069, OMIM 220111.

Allele frequency attached by ClinVar (database versions not stated): gnomAD exomes below 0.00001.
gnomAD v4.1: 1 of 1,613,670 alleles (0.000062%); highest among the groups gnomAD compares: Non-Finnish European, 0.000085%; no homozygotes.

Submission:

Myriad Genetics, Inc.
Classification: Likely pathogenic for Congenital lactic acidosis, Saguenay-Lac-Saint-Jean type. Last evaluated: 2022-01-02. Review status: criteria provided, single submitter. Criteria: Myriad Women's Health Autosomal Recessive and X-Linked Classification Criteria (2021). Collection method: clinical testing. Allele origin: unknown.
Comment: NM_133259.3(LRPPRC):c.883A>T(K295*) is expected to be pathogenic in the context of Leigh syndrome, French-Canadian type. This variant is predicted to lead to an abnormal or absent protein product due to the creation of a premature termination codon in LRPPRC, a gene where loss-of-function variants are known to be pathogenic. Please note: this variant was assessed in the context of healthy population screening.

NM_133259.4(LRPPRC):c.883A>T (p.Lys295Ter)

Gene: LRPPRC (leucine rich pentatricopeptide repeat containing; minus strand). Cytogenetic location: 2p21.
Variant type: single nucleotide variant.
Coding change: c.883A>T on transcript NM_133259.4 (MANE Select); coding-DNA position 883, A replaced by T.
Protein change: p.Lys295Ter; replaces lysine 295 with a stop codon.
Molecular consequence: nonsense.
Genome position (GRCh38, 1-based): chr2:43,974,740, T>A on the plus strand (A>T on the coding strand, the complement: LRPPRC is on the minus strand). VCF-style: chr2-43974740-T-A. GRCh37 (hg19) VCF-style: chr2-44201879-T-A.
Other names: short protein forms K295*.
Identifiers: ClinVar variation 1726819 (VCV001726819.2), dbSNP rs2466666497, ClinGen allele CA346673929.